The following is an entry in ClinVar:

NM_000158.4(GBE1):c.1229T>G (p.Ile410Arg)

Gene: GBE1 (1,4-alpha-glucan branching enzyme 1; minus strand). Cytogenetic location: 3p12.2.
Variant type: single nucleotide variant.
Coding change: c.1229T>G on transcript NM_000158.4 (MANE Select); coding-DNA position 1229, T replaced by G.
Protein change: p.Ile410Arg; replaces isoleucine 410 with arginine.
Molecular consequence: missense variant.
Genome position (GRCh38, 1-based): chr3:81,591,044, A>C on the plus strand (T>G on the coding strand, the complement: GBE1 is on the minus strand). VCF-style: chr3-81591044-A-C. GRCh37 (hg19) VCF-style: chr3-81640195-A-C.
Other names: NM_000158.4:c.1229T>G; c.1229T>G (NM_000158.3); short protein forms I410R.
Identifiers: ClinVar variation 1341389 (VCV001341389.6), dbSNP rs771405370, ClinGen allele CA2499758.
Genomic context (GRCh38, chr3:81,591,044, plus strand): 5'-AAAATACTCTCTATTAAAGGGGGTCAGAAGGTAAGACTTCACTATGGCTTTACCTCAGCT[A>C]TTGTTATAGAATCGGGACACAGCGTGTGAACCAAATGATTTGCCAACATGAGGTAAGTCA-3'
Protein context (NP_000149.4, residues 400-420): VHTLCPDSIT[Ile410Arg]AEDVSGMPAL

ClinVar aggregate classification (germline): Conflicting classifications of pathogenicity. Review status: criteria provided, conflicting classifications (1 of 4 stars). 5 submissions from 5 submitters: Likely pathogenic (3); Uncertain significance (2). Last evaluated 2025-11-21.

Conditions:
Glycogen storage disease, type IV (GSD4). Also called: GBE1 DEFICIENCY; GLYCOGEN BRANCHING ENZYME DEFICIENCY; GLYCOGENOSIS IV; GSD IV; Glycogen storage disease due to glycogen branching enzyme deficiency; AMYLOPECTINOSIS. Identifiers: Orphanet 367, MedGen C0017923, MONDO:0009292, OMIM 232500.
GBE1-related disorder. Also called: GBE1-related condition; GBE1-related disorders. Identifiers: MedGen CN239402.

Allele frequency attached by ClinVar (database versions not stated): gnomAD exomes 0.00001 and 0.00002; ExAC 0.00003; TOPMed below 0.00001; gnomAD 0.00001.
gnomAD v4.1: 4 of 1,608,464 alleles (0.00025%); highest among the groups gnomAD compares: East Asian, 0.0089%; no homozygotes.

Submissions (5):

Natera, Inc.
Classification: Likely pathogenic for Glycogen storage disease type IV. Last evaluated: 2025-11-21. Review status: criteria provided, single submitter. Criteria: Natera Variant Classification Schema (03/2026). Collection method: clinical testing. Allele origin: germline.
Comment: The c.1229T>G variant in GBE1 is a missense variant predicted to cause substitution of isoleucine to arginine at amino acid 410. This variant is rare in the general population with a frequency below the threshold expected for the associated phenotype(s). This variant has been observed in one or more individuals affected with the associated recessive disease, as either homozygous or compound heterozygous with a second variant (PMID: 40812839). Computational prediction algorithms indicate this variant is likely to affect gene or protein function. Given the available evidence, this variant is classified as Likely Pathogenic.

Women's Health and Genetics/Laboratory Corporation of America, LabCorp
Classification: Uncertain significance. Last evaluated: 2023-08-04. Review status: criteria provided, single submitter. Criteria: LabCorp Variant Classification Summary - May 2015. Collection method: clinical testing. Allele origin: germline.
Comment: Variant summary: GBE1 c.1229T>G (p.Ile410Arg) results in a non-conservative amino acid change located in the glycosyl hydrolase, family 13, catalytic domain (IPR006047) of the encoded protein sequence. Four of five in-silico tools predict a damaging effect of the variant on protein function. The variant allele was found at a frequency of 2.1e-05 in 243764 control chromosomes (gnomAD). The available data on variant occurrences in the general population are insufficient to allow any conclusion about variant significance. c.1229T>G has been reported in the literature as a compound heterozygous genotype in an individual affected with Glycogen Storage Disease, Type IV (GSD IV) (Liao_2020, no PMID) and also in a case of fetal hydrops where GSD IV was suspected and the parents had a prior fetal hydrops-affected pregnancy (Zhou_2021, PMID: 33897756). These data do not allow any conclusion about variant significance. To our knowledge, no experimental evidence demonstrating an impact on protein function has been reported. One submitter has provided a clinical-significance assessment for this variant to ClinVar after 2014 and has classified the variant as uncertain significance. Based on the evidence outlined above, the variant was classified as uncertain significance.

PreventionGenetics, part of Exact Sciences
Classification: Likely pathogenic for GBE1-related condition. Last evaluated: 2023-06-22. Review status: criteria provided, single submitter. Criteria: ACMG Guidelines, 2015. Collection method: clinical testing. Allele origin: germline.
Comment: The GBE1 c.1229T>G variant is predicted to result in the amino acid substitution p.Ile410Arg. This variant was reported in the compound heterozygous state in a fetus with Hydrops fetalis, nonimmune (Zhou et al. 2021. PubMed ID: 33897756). This variant is reported in 0.031% of alleles in individuals of East Asian descent in gnomAD. This variant is interpreted as likely pathogenic.

Broad Center for Mendelian Genomics, Broad Institute of MIT and Harvard
Classification: Uncertain significance for Glycogen storage disease, type IV. Last evaluated: 2022-01-27. Review status: criteria provided, single submitter. Criteria: ACMG Guidelines, 2015. Collection method: curation. Allele origin: germline. Inheritance: Autosomal recessive inheritance.
Comment: The p.Ile410Arg variant in GBE1 has been reported in 2 individuals with glycogen storage disease type IV (GSD IV) (PMID: 33897756, Liao et al.) and has been identified in 0.03% (6/19242) of East Asian chromosomes by the Genome Aggregation Database (gnomAD; dbSNP ID: rs771405370). Although this variant has been seen in the general population in a heterozygous state, its frequency is not high enough to rule out a pathogenic role. Of the 2 affected individuals, both were compound heterozygotes that carried variants of uncertain significance in trans, which increases the likelihood that the p.Ile410Arg variant is pathogenic (PMID: 33897756, Liao et al.). Computational prediction tools and conservation analyses suggest that this variant may impact the protein, though this information is not predictive enough to determine pathogenicity. In summary, the clinical significance of the p.Ile410Arg variant is uncertain. ACMG/AMP Criteria applied: PP3, PM3_supporting (Richards 2015).

Juno Genomics, Hangzhou Juno Genomics, Inc
Classification: Likely pathogenic for Glycogen storage disease, type IV. Review status: criteria provided, single submitter. Criteria: ACMG Guidelines, 2015. Collection method: clinical testing. Allele origin: germline.
Comment: Absent from controls (or at extremely low frequency if recessive) in Genome Aggregation Database.;Multiple lines of computational evidence support a deleterious effect on the gene or gene product.;For recessive disorders, detected in trans with a pathogenic variant.;Patient's phenotype or family history is highly specific for a disease with a single genetic etiology.

Literature cited by the submitters: PubMed 40812839 (cited by Natera, Inc.); PubMed 33897756 (cited by Women's Health and Genetics/Laboratory Corporation of America, LabCorp).